The following is an entry in ClinVar:

NM_172107.4(KCNQ2):c.1865G>C (p.Arg622Pro)

Gene: KCNQ2 (potassium voltage-gated channel subfamily Q member 2; minus strand). Cytogenetic location: 20q13.33.
Variant type: single nucleotide variant.
Coding change: c.1865G>C on transcript NM_172107.4 (MANE Select); coding-DNA position 1865, G replaced by C.
Protein change: p.Arg622Pro; replaces arginine 622 with proline.
Molecular consequence: missense variant.
Genome position (GRCh38, 1-based): chr20:63,408,435, C>G on the plus strand (G>C on the coding strand, the complement: KCNQ2 is on the minus strand). VCF-style: chr20-63408435-C-G. GRCh37 (hg19) VCF-style: chr20-62039788-C-G.
Other names: c.1919G>C, p.Arg640Pro (NM_001382235.1); c.1781G>C, p.Arg594Pro (NM_004518.6); c.1811G>C, p.Arg604Pro (NM_172106.3); c.1772G>C, p.Arg591Pro (NM_172108.5); short protein forms R591P, R640P, R594P, R604P, R622P.
Identifiers: ClinVar variation 2081170 (VCV002081170.4), dbSNP rs2516117508, ClinGen allele CA409640243.

ClinVar aggregate classification (germline): Pathogenic (1 of 4 stars; one submission).

Conditions:
Early-infantile DEE. Also called: Ohtahara syndrome; Early infantile epileptic encephalopathy with suppression bursts; Early infantile epileptic encephalopathy. Identifiers: Orphanet 1934, MedGen C0393706, MONDO:0800491.

Submission:

Labcorp Genetics (formerly Invitae), Labcorp
Classification: Pathogenic for Early-infantile DEE. Last evaluated: 2022-02-09. Review status: criteria provided, single submitter. Criteria: Invitae Variant Classification Sherloc (09022015). Collection method: clinical testing. Allele origin: germline.
Comment: This variant is not present in population databases (gnomAD no frequency). This missense change has been observed in individual(s) with KCNQ2-related conditions (Invitae). In at least one individual the variant was observed to be de novo. Advanced modeling of protein sequence and biophysical properties (such as structural, functional, and spatial information, amino acid conservation, physicochemical variation, residue mobility, and thermodynamic stability) performed at Invitae indicates that this missense variant is expected to disrupt KCNQ2 protein function. For these reasons, this variant has been classified as Pathogenic. This sequence change replaces arginine, which is basic and polar, with proline, which is neutral and non-polar, at codon 622 of the KCNQ2 protein (p.Arg622Pro).